The following is an entry in ClinVar:

NM_144631.6(ZNF513):c.949C>G (p.Arg317Gly)

Gene: ZNF513 (zinc finger protein 513; minus strand). Cytogenetic location: 2p23.3.
Variant type: single nucleotide variant.
Coding change: c.949C>G on transcript NM_144631.6 (MANE Select); coding-DNA position 949, C replaced by G.
Protein change: p.Arg317Gly; replaces arginine 317 with glycine.
Molecular consequence: missense variant.
Genome position (GRCh38, 1-based): chr2:27,378,222, G>C on the plus strand (C>G on the coding strand, the complement: ZNF513 is on the minus strand). VCF-style: chr2-27378222-G-C. GRCh37 (hg19) VCF-style: chr2-27601089-G-C.
Other names: c.763C>G, p.Arg255Gly (NM_001201459.2); short protein forms R255G, R317G.
Identifiers: ClinVar variation 4712993 (VCV004712993.1).

ClinVar aggregate classification (germline): Uncertain significance (1 of 4 stars; one submission).

Submission:

Labcorp Genetics (formerly Invitae), Labcorp
Classification: Uncertain significance. Last evaluated: 2025-02-14. Review status: criteria provided, single submitter. Criteria: Invitae Variant Classification Sherloc (09022015). Collection method: clinical testing. Allele origin: germline.
Comment: This sequence change replaces arginine, which is basic and polar, with glycine, which is neutral and non-polar, at codon 317 of the ZNF513 protein (p.Arg317Gly). This variant is not present in population databases (gnomAD no frequency). This variant has not been reported in the literature in individuals affected with ZNF513-related conditions. An algorithm developed to predict the effect of missense changes on protein structure and function (PolyPhen-2) suggests that this variant is likely to be tolerated. In summary, the available evidence is currently insufficient to determine the role of this variant in disease. Therefore, it has been classified as a Variant of Uncertain Significance.